The following is an entry in ClinVar:

NM_030665.4(RAI1):c.2957T>C (p.Ile986Thr)

Gene: RAI1 (retinoic acid induced 1; plus strand). Cytogenetic location: 17p11.2.
Variant type: single nucleotide variant.
Coding change: c.2957T>C on transcript NM_030665.4 (MANE Select); coding-DNA position 2957, T replaced by C.
Protein change: p.Ile986Thr; replaces isoleucine 986 with threonine.
Molecular consequence: missense variant.
Genome position (GRCh38, 1-based): chr17:17,795,905, T>C. VCF-style: chr17-17795905-T-C. GRCh37 (hg19) VCF-style: chr17-17699219-T-C.
Other names: short protein forms I986T.
Identifiers: ClinVar variation 2906378 (VCV002906378.3), dbSNP rs1196382015, ClinGen allele CA398552512.

ClinVar aggregate classification (germline): Uncertain significance (1 of 4 stars; one submission).

Allele frequency attached by ClinVar (database versions not stated): gnomAD exomes below 0.00001; gnomAD 0.00001; TOPMed 0.00001.
gnomAD v4.1: 2 of 1,611,000 alleles (0.00012%); highest among the groups gnomAD compares: African/African-American, 0.0027%; no homozygotes.

Submission:

Labcorp Genetics (formerly Invitae), Labcorp
Classification: Uncertain significance. Last evaluated: 2023-10-07. Review status: criteria provided, single submitter. Criteria: Invitae Variant Classification Sherloc (09022015). Collection method: clinical testing. Allele origin: germline.
Comment: This sequence change replaces isoleucine, which is neutral and non-polar, with threonine, which is neutral and polar, at codon 986 of the RAI1 protein (p.Ile986Thr). This variant is present in population databases (no rsID available, gnomAD 0.008%). This variant has not been reported in the literature in individuals affected with RAI1-related conditions. Advanced modeling of protein sequence and biophysical properties (such as structural, functional, and spatial information, amino acid conservation, physicochemical variation, residue mobility, and thermodynamic stability) performed at Invitae indicates that this missense variant is not expected to disrupt RAI1 protein function. In summary, the available evidence is currently insufficient to determine the role of this variant in disease. Therefore, it has been classified as a Variant of Uncertain Significance.